The following is an entry in ClinVar:

ClinVar aggregate classification (germline): Uncertain significance. Review status: criteria provided, multiple submitters, no conflicts (2 of 4 stars). 2 submissions from 2 submitters: Uncertain significance (2). Last evaluated 2025-09-16.

Conditions:
Gastrointestinal stromal tumor. Also called: Gastrointestinal stromal tumor, somatic; Gastrointestinal stroma tumor. Identifiers: Orphanet 44890, MedGen C0238198, MeSH D046152, MONDO:0011719, OMIM 606764, HP:0100723.
Pheochromocytoma/paraganglioma syndrome 4. Also called: CAROTID BODY TUMORS AND MULTIPLE EXTRAADRENAL PHEOCHROMOCYTOMAS; SDHB-Related Hereditary Paraganglioma-Pheochromocytoma Syndrome; Paragangliomas 4; SDHB-Related Hereditary Paraganglioma-Pheochromocytoma Syndrome (Paragangliomas 4); PARAGANGLIOMA, FAMILIAL MALIGNANT; PARAGANGLIOMAS, HEREDITARY EXTRAADRENAL. Identifiers: Orphanet 29072, MedGen C1861848, MONDO:0007273, OMIM 115310.
Pheochromocytoma. Also called: MAX-Related Hereditary Paraganglioma-Pheochromocytoma Syndrome. Identifiers: Orphanet 29072, MedGen C0031511, MONDO:0008233, OMIM 171300, HP:0002666.
Hereditary cancer-predisposing syndrome. Also called: Hereditary neoplastic syndrome; Neoplastic Syndromes, Hereditary; Hereditary Cancer Syndrome; Tumor predisposition. Identifiers: Orphanet 140162, MedGen C0027672, MeSH D009386, MONDO:0015356.

Allele frequency attached by ClinVar (database versions not stated): gnomAD exomes below 0.00001.
gnomAD v4.1: 1 of 1,614,156 alleles (0.000062%); highest among the groups gnomAD compares: African/African-American, 0.0013%; no homozygotes.

Submissions (2):

Labcorp Genetics (formerly Invitae), Labcorp
Classification: Uncertain significance for Gastrointestinal stromal tumor; Pheochromocytoma/paraganglioma syndrome 4; Pheochromocytoma. Last evaluated: 2025-09-16. Review status: criteria provided, single submitter. Criteria: Invitae Variant Classification Sherloc (09022015). Collection method: clinical testing. Allele origin: germline.
Comment: This sequence change replaces threonine, which is neutral and polar, with serine, which is neutral and polar, at codon 114 of the SDHB protein (p.Thr114Ser). This variant is not present in population databases (gnomAD no frequency). This variant has not been reported in the literature in individuals affected with SDHB-related conditions. ClinVar contains an entry for this variant (Variation ID: 947007). Invitae Evidence Modeling of protein sequence and biophysical properties (such as structural, functional, and spatial information, amino acid conservation, physicochemical variation, residue mobility, and thermodynamic stability) indicates that this missense variant is not expected to disrupt SDHB protein function with a negative predictive value of 80%. In summary, the available evidence is currently insufficient to determine the role of this variant in disease. Therefore, it has been classified as a Variant of Uncertain Significance.

Ambry Genetics
Classification: Uncertain significance for Hereditary cancer-predisposing syndrome. Last evaluated: 2024-03-14. Review status: criteria provided, single submitter. Criteria: Ambry Variant Classification Scheme 2023. Collection method: clinical testing. Allele origin: germline.
Comment: The p.T114S variant (also known as c.340A>T), located in coding exon 4 of the SDHB gene, results from an A to T substitution at nucleotide position 340. The threonine at codon 114 is replaced by serine, an amino acid with similar properties. This amino acid position is conserved. In addition, the in silico prediction for this alteration is inconclusive. Based on the available evidence, the clinical significance of this alteration remains unclear.

NM_003000.3(SDHB):c.340A>T (p.Thr114Ser)

Gene: SDHB (succinate dehydrogenase complex iron sulfur subunit B; minus strand). Cytogenetic location: 1p36.13.
Variant type: single nucleotide variant.
Coding change: c.340A>T on transcript NM_003000.3 (MANE Select); coding-DNA position 340, A replaced by T.
Protein change: p.Thr114Ser; replaces threonine 114 with serine.
Molecular consequence: missense variant.
Genome position (GRCh38, 1-based): chr1:17,028,683, T>A on the plus strand (A>T on the coding strand, the complement: SDHB is on the minus strand). VCF-style: chr1-17028683-T-A. GRCh37 (hg19) VCF-style: chr1-17355178-T-A.
Other names: short protein forms T114S.
Identifiers: ClinVar variation 947007 (VCV000947007.8), dbSNP rs2078005007, ClinGen allele CA338274743.
Genomic context (GRCh38, chr1:17,028,683, plus strand): 5'-ACATGTGTGGAAGAGGGTAGATTTTTGAGACCTTATTGAGGTTGGTGTCAATCCTTCGGG[T>A]GCAAGCTAGAGTGTTGCCTCCATTGATGTTCATTGCACAAGAGCCACAGATGCCTGAAAG-3'
Protein context (NP_002991.2, residues 104-124): NINGGNTLAC[Thr114Ser]RRIDTNLNKV